The following is an entry in ClinVar:

NM_213655.5(WNK1):c.3259G>A (p.Glu1087Lys)

Gene: WNK1 (WNK lysine deficient protein kinase 1; plus strand). Cytogenetic location: 12p13.33.
Variant type: single nucleotide variant.
Coding change: c.3259G>A on transcript NM_213655.5 (MANE Plus Clinical); coding-DNA position 3259, G replaced by A.
Protein change: p.Glu1087Lys; replaces glutamic acid 1087 with lysine.
Molecular consequence: missense variant. On other transcripts: intron variant (2).
Genome position (GRCh38, 1-based): chr12:868,730, G>A. VCF-style: chr12-868730-G-A. GRCh37 (hg19) VCF-style: chr12-977896-G-A.
Other names: c.3004G>A, p.Glu1002Lys (NM_001184985.2); c.2140-2535G>A (NM_018979.4, NM_014823.3); short protein forms E1002K, E1087K.
Identifiers: ClinVar variation 4792043 (VCV004792043.1).

ClinVar aggregate classification (germline): Uncertain significance (1 of 4 stars; one submission).

Conditions:
Neuropathy, hereditary sensory and autonomic, type 2A (HSAN2A). Also called: ACROOSTEOLYSIS, GIACCAI TYPE; ACROOSTEOLYSIS, NEUROGENIC; MORVAN DISEASE; NEUROPATHY, CONGENITAL SENSORY; NEUROPATHY, HEREDITARY SENSORY RADICULAR, AUTOSOMAL RECESSIVE; NEUROPATHY, HEREDITARY SENSORY, TYPE IIA. Identifiers: Orphanet 970, MedGen C2752089, MONDO:0024309, OMIM 201300.
Pseudohypoaldosteronism type 2C (PHA2C). Also called: Pseudohypoaldosteronism Type IIC. Identifiers: Orphanet 757, Orphanet 88940, MedGen C1840391, MONDO:0013778, OMIM 614492.

gnomAD v4.1: 1 of 1,613,768 alleles (0.000062%); highest among the groups gnomAD compares: Admixed American, 0.0017%; no homozygotes.

Submission:

Labcorp Genetics (formerly Invitae), Labcorp
Classification: Uncertain significance for Neuropathy, hereditary sensory and autonomic, type 2A; Pseudohypoaldosteronism type 2C. Last evaluated: 2025-09-30. Review status: criteria provided, single submitter. Criteria: Invitae Variant Classification Sherloc (09022015). Collection method: clinical testing. Allele origin: germline.
Comment: This sequence change replaces glutamic acid, which is acidic and polar, with lysine, which is basic and polar, at codon 1087 of the WNK1 protein (p.Glu1087Lys). This variant is not present in population databases (gnomAD no frequency). This variant has not been reported in the literature in individuals affected with WNK1-related conditions. Invitae Evidence Modeling of protein sequence and biophysical properties (such as structural, functional, and spatial information, amino acid conservation, physicochemical variation, residue mobility, and thermodynamic stability) indicates that this missense variant is not expected to disrupt WNK1 protein function with a negative predictive value of 95%. In summary, the available evidence is currently insufficient to determine the role of this variant in disease. Therefore, it has been classified as a Variant of Uncertain Significance.